The following is an entry in ClinVar:

ClinVar aggregate classification (germline): Uncertain significance (1 of 4 stars; one submission).

Conditions:
Developmental and epileptic encephalopathy, 25 (DEE25). Also called: Epileptic encephalopathy, early infantile, 25; Developmental and epileptic encephalopathy 25, with amelogenesis imperfecta; Epileptic encephalopathy, early infantile, 25, with amelogenesis imperfecta. Identifiers: Orphanet 442835, MedGen C4014621, MONDO:0014392, OMIM 615905.

gnomAD v4.1: 2 of 1,614,052 alleles (0.00012%); highest among the groups gnomAD compares: Non-Finnish European, 0.00017%; no homozygotes.

Submission:

Labcorp Genetics (formerly Invitae), Labcorp
Classification: Uncertain significance for Developmental and epileptic encephalopathy, 25. Last evaluated: 2022-11-15. Review status: criteria provided, single submitter. Criteria: Invitae Variant Classification Sherloc (09022015). Collection method: clinical testing. Allele origin: germline.
Comment: In summary, the available evidence is currently insufficient to determine the role of this variant in disease. Therefore, it has been classified as a Variant of Uncertain Significance. Advanced modeling of protein sequence and biophysical properties (such as structural, functional, and spatial information, amino acid conservation, physicochemical variation, residue mobility, and thermodynamic stability) performed at Invitae indicates that this missense variant is not expected to disrupt SLC13A5 protein function. This sequence change replaces leucine, which is neutral and non-polar, with phenylalanine, which is neutral and non-polar, at codon 17 of the SLC13A5 protein (p.Leu17Phe). This variant is not present in population databases (gnomAD no frequency). This variant has not been reported in the literature in individuals affected with SLC13A5-related conditions. ClinVar contains an entry for this variant (Variation ID: 1008140).

NM_177550.5(SLC13A5):c.51G>C (p.Leu17Phe)

Gene: SLC13A5 (solute carrier family 13 member 5; minus strand). Cytogenetic location: 17p13.1.
Variant type: single nucleotide variant.
Coding change: c.51G>C on transcript NM_177550.5 (MANE Select); coding-DNA position 51, G replaced by C.
Protein change: p.Leu17Phe; replaces leucine 17 with phenylalanine.
Molecular consequence: missense variant.
Genome position (GRCh38, 1-based): chr17:6,713,283, C>G on the plus strand (G>C on the coding strand, the complement: SLC13A5 is on the minus strand). VCF-style: chr17-6713283-C-G. GRCh37 (hg19) VCF-style: chr17-6616602-C-G.
Other names: c.51G>C, p.Leu17Phe (NM_001143838.3, NM_001284509.2, NM_001284510.2); short protein forms L17F.
Identifiers: ClinVar variation 1008140 (VCV001008140.12), dbSNP rs941552722, ClinGen allele CA397753832.
Genomic context (GRCh38, chr17:6,713,283, plus strand): 5'-GCAACTGACCTTGGCGGGCATCAGAATGACGAGTGGCAGCAGCAGGAGCGGGGTGACGAA[C>G]AAGATCACGAAGGACTTGAACTTGGAGACATAGCTCAGCGCCGAGGCCATCGCGCGGGAG-3'
Protein context (NP_808218.1, residues 7-27): YVSKFKSFVI[Leu17Phe]FVTPLLLLPL